The following is an entry in ClinVar:

NM_000214.3(JAG1):c.1138_1140del (p.Pro380del)

Gene: JAG1 (jagged canonical Notch ligand 1; minus strand). Cytogenetic location: 20p12.2.
Variant type: Deletion.
Coding change: c.1138_1140del on transcript NM_000214.3 (MANE Select); coding-DNA positions 1138 to 1140, 3 bases deleted (CCT; older notation c.1138_1140delCCT).
Protein change: p.Pro380del; deletes proline 380.
Molecular consequence: inframe deletion.
Genome position (GRCh38, 1-based): chr20:10,650,341-10,650,343, AGG deleted on the plus strand (CCT on the coding strand, the reverse complement: JAG1 is on the minus strand); deleting any 3 consecutive bases within chr20:10,650,341-10,650,345 gives the same sequence; the c. name uses the placement nearest the transcript's 3' end. VCF-style (leftmost placement, unchanged base first): chr20-10650340-TAGG-T. GRCh37 (hg19) VCF-style: chr20-10630988-TAGG-T.
Other names: short protein forms P380del.
Identifiers: ClinVar variation 2662071 (VCV002662071.1), dbSNP rs2067337055, ClinGen allele CA2349884770.

ClinVar aggregate classification (germline): Uncertain significance (1 of 4 stars; one submission).

Submission:

GeneDx
Classification: Uncertain significance. Last evaluated: 2023-05-01. Review status: criteria provided, single submitter. Criteria: GeneDx Variant Classification Process June 2021. Collection method: clinical testing. Allele origin: germline. Affected: yes.
Comment: Not observed at significant frequency in large population cohorts (gnomAD); In-frame deletion of 1 amino acid in a non-repeat region; In silico analysis supports a deleterious effect on protein structure/function; Has not been previously published as pathogenic or benign to our knowledge